The following is an entry in ClinVar:

ClinVar aggregate classification (germline): Uncertain significance (1 of 4 stars; one submission).

Allele frequency attached by ClinVar (database versions not stated): gnomAD 0.00002; TOPMed 0.00002.
gnomAD v4.1: 5 of 1,606,064 alleles (0.00031%); highest among the groups gnomAD compares: Non-Finnish European, 0.00042%; no homozygotes.

Submission:

Labcorp Genetics (formerly Invitae), Labcorp
Classification: Uncertain significance. Last evaluated: 2022-04-04. Review status: criteria provided, single submitter. Criteria: Invitae Variant Classification Sherloc (09022015). Collection method: clinical testing. Allele origin: germline.
Comment: This sequence change replaces isoleucine, which is neutral and non-polar, with phenylalanine, which is neutral and non-polar, at codon 3265 of the VPS13C protein (p.Ile3265Phe). This variant is present in population databases (no rsID available, gnomAD 0.0009%). This variant has not been reported in the literature in individuals affected with VPS13C-related conditions. Algorithms developed to predict the effect of missense changes on protein structure and function are either unavailable or do not agree on the potential impact of this missense change (SIFT: "Deleterious"; PolyPhen-2: "Probably Damaging"; Align-GVGD: "Class C0"). Algorithms developed to predict the effect of sequence changes on RNA splicing suggest that this variant may create or strengthen a splice site. In summary, the available evidence is currently insufficient to determine the role of this variant in disease. Therefore, it has been classified as a Variant of Uncertain Significance.

NM_020821.3(VPS13C):c.9793A>T (p.Ile3265Phe)

Gene: VPS13C (vacuolar protein sorting 13 homolog C; minus strand). Cytogenetic location: 15q22.2.
Variant type: single nucleotide variant.
Coding change: c.9793A>T on transcript NM_020821.3 (MANE Select); coding-DNA position 9793, A replaced by T.
Protein change: p.Ile3265Phe; replaces isoleucine 3265 with phenylalanine.
Molecular consequence: missense variant.
Genome position (GRCh38, 1-based): chr15:61,880,938, T>A on the plus strand (A>T on the coding strand, the complement: VPS13C is on the minus strand). VCF-style: chr15-61880938-T-A. GRCh37 (hg19) VCF-style: chr15-62173137-T-A.
Other names: c.9793A>T, p.Ile3265Phe (NM_001018088.3); c.9664A>T, p.Ile3222Phe (NM_017684.5, NM_018080.4); short protein forms I3265F, I3222F.
Identifiers: ClinVar variation 1947402 (VCV001947402.5), dbSNP rs1196677240, ClinGen allele CA392672780.